The following is an entry in ClinVar:

ClinVar aggregate classification (germline): Uncertain significance (1 of 4 stars; one submission).

Allele frequency attached by ClinVar (database versions not stated): gnomAD 0.00001.
gnomAD v4.1: 13 of 1,613,950 alleles (0.00081%); highest among the groups gnomAD compares: African/African-American, 0.0027%; no homozygotes.

Submission:

Labcorp Genetics (formerly Invitae), Labcorp
Classification: Uncertain significance. Last evaluated: 2023-06-02. Review status: criteria provided, single submitter. Criteria: Invitae Variant Classification Sherloc (09022015). Collection method: clinical testing. Allele origin: germline.
Comment: This sequence change replaces arginine, which is basic and polar, with tryptophan, which is neutral and slightly polar, at codon 629 of the AK7 protein (p.Arg629Trp). In summary, the available evidence is currently insufficient to determine the role of this variant in disease. Therefore, it has been classified as a Variant of Uncertain Significance. Advanced modeling of protein sequence and biophysical properties (such as structural, functional, and spatial information, amino acid conservation, physicochemical variation, residue mobility, and thermodynamic stability) performed at Invitae indicates that this missense variant is expected to disrupt AK7 protein function. This variant has not been reported in the literature in individuals affected with AK7-related conditions. This variant is present in population databases (no rsID available, gnomAD 0.007%).

NM_152327.5(AK7):c.1885C>T (p.Arg629Trp)

Gene: AK7 (adenylate kinase 7; plus strand). Cytogenetic location: 14q32.2.
Variant type: single nucleotide variant.
Coding change: c.1885C>T on transcript NM_152327.5 (MANE Select); coding-DNA position 1885, C replaced by T.
Protein change: p.Arg629Trp; replaces arginine 629 with tryptophan.
Molecular consequence: missense variant.
Genome position (GRCh38, 1-based): chr14:96,483,130, C>T. VCF-style: chr14-96483130-C-T. GRCh37 (hg19) VCF-style: chr14-96949467-C-T.
Other names: c.1816C>T, p.Arg606Trp (NM_001350888.2, NM_001350890.2); c.1807C>T, p.Arg603Trp (NM_001350891.2); c.1687C>T, p.Arg563Trp (NM_001350892.2); short protein forms R563W, R603W, R629W, R606W.
Identifiers: ClinVar variation 2782843 (VCV002782843.3), dbSNP rs1458425698, ClinGen allele CA390924826.